The following is an entry in ClinVar:

ClinVar aggregate classification (germline): Uncertain significance (1 of 4 stars; one submission).

Submission:

GeneDx
Classification: Uncertain significance. Last evaluated: 2026-02-13. Review status: criteria provided, single submitter. Criteria: GeneDx Variant Classification Process June 2021. Collection method: clinical testing. Allele origin: germline.
Comment: Not observed at significant frequency in large population cohorts (gnomAD); In silico analysis supports that this missense variant has a deleterious effect on protein structure/function; Has not been previously published as pathogenic or benign to our knowledge

NM_006922.4(SCN3A):c.5327T>C (p.Val1776Ala)

Gene: SCN3A (sodium voltage-gated channel alpha subunit 3; minus strand). Cytogenetic location: 2q24.3.
Variant type: single nucleotide variant.
Coding change: c.5327T>C on transcript NM_006922.4 (MANE Select); coding-DNA position 5327, T replaced by C.
Protein change: p.Val1776Ala; replaces valine 1776 with alanine.
Molecular consequence: missense variant.
Genome position (GRCh38, 1-based): chr2:165,090,826, A>G on the plus strand (T>C on the coding strand, the complement: SCN3A is on the minus strand). VCF-style: chr2-165090826-A-G. GRCh37 (hg19) VCF-style: chr2-165947336-A-G.
Other names: c.5180T>C, p.Val1727Ala (NM_001081676.2, NM_001081677.2); short protein forms V1727A, V1776A.
Identifiers: ClinVar variation 4976553 (VCV004976553.1).